The following is an entry in ClinVar:

ClinVar aggregate classification (germline): Conflicting classifications of pathogenicity. Review status: criteria provided, conflicting classifications (1 of 4 stars). 3 submissions from 3 submitters: Uncertain significance (2); Benign (1). Last evaluated 2024-09-28.

Conditions:
Kabuki syndrome. Also called: Kabuki make-up syndrome; NIIKAWA-KUROKI SYNDROME. Identifiers: Orphanet 2322, MedGen C0796004, MONDO:0016512.
Kabuki syndrome 1 (KABUK1). Also called: KMT2D-Related Kabuki Syndrome. Identifiers: Orphanet 2322, MedGen CN030661, MONDO:0007843, OMIM 147920.

Allele frequency attached by ClinVar (database versions not stated): gnomAD exomes below 0.00001 and 0.00001; ExAC 0.00001.
gnomAD v4.1: 3 of 1,611,330 alleles (0.00019%); highest among the groups gnomAD compares: African/African-American, 0.0013%; no homozygotes.

Submissions (3):

Labcorp Genetics (formerly Invitae), Labcorp
Classification: Benign for Kabuki syndrome. Last evaluated: 2024-09-28. Review status: criteria provided, single submitter. Criteria: Invitae Variant Classification Sherloc (09022015). Collection method: clinical testing. Allele origin: germline.

Baylor Genetics
Classification: Uncertain significance for Kabuki syndrome 1. Last evaluated: 2018-04-19. Review status: criteria provided, single submitter. Criteria: ACMG Guidelines, 2015. Collection method: clinical testing. Allele origin: maternal. Affected: yes.
Comment: This variant was determined to be of uncertain significance according to ACMG Guidelines, 2015 [PMID:25741868].

Eurofins Ntd Llc (ga)
Classification: Uncertain significance. Last evaluated: 2017-02-28. Review status: criteria provided, single submitter. Criteria: EGL Classification Definitions 2015. Collection method: clinical testing. Allele origin: germline. Observed: 1 variant allele, 1 heterozygote.

NM_003482.4(KMT2D):c.8090G>A (p.Arg2697His)

Gene: KMT2D (lysine methyltransferase 2D; minus strand). Cytogenetic location: 12q13.12.
Variant type: single nucleotide variant.
Coding change: c.8090G>A on transcript NM_003482.4 (MANE Select); coding-DNA position 8090, G replaced by A.
Protein change: p.Arg2697His; replaces arginine 2697 with histidine.
Molecular consequence: missense variant.
Genome position (GRCh38, 1-based): chr12:49,039,574, C>T on the plus strand (G>A on the coding strand, the complement: KMT2D is on the minus strand). VCF-style: chr12-49039574-C-T. GRCh37 (hg19) VCF-style: chr12-49433357-C-T.
Other names: short protein forms R2697H.
Identifiers: ClinVar variation 500455 (VCV000500455.8), dbSNP rs774178055, ClinGen allele CA6546914.